The following is an entry in ClinVar:

ClinVar aggregate classification (germline): Uncertain significance. Review status: criteria provided, multiple submitters, no conflicts (2 of 4 stars). 4 submissions from 3 submitters: Uncertain significance (4). Last evaluated 2025-10-02.

Conditions:
Inborn genetic diseases. Identifiers: MedGen C0950123, MeSH D030342.
Bietti crystalline corneoretinal dystrophy (BCD). Also called: Bietti Crystalline Dystrophy; BIETTI TAPETORETINAL DEGENERATION WITH MARGINAL CORNEAL DYSTROPHY. Identifiers: Orphanet 41751, MedGen C1859486, MONDO:0008865, OMIM 210370.
Corneal dystrophy. Identifiers: Orphanet 34533, MedGen C0010036, MONDO:0018102, HP:0001131.

Allele frequency attached by ClinVar (database versions not stated): TOPMed below 0.00001; gnomAD 0.00001; gnomAD exomes 0.00002 and 0.00003; ExAC 0.00003; ESP Exome Variant Server 0.00008.

Submissions (4):

Ambry Genetics
Classification: Uncertain significance for Inborn genetic diseases. Last evaluated: 2025-10-02. Review status: criteria provided, single submitter. Criteria: Ambry Variant Classification Scheme 2023. Collection method: clinical testing. Allele origin: germline.

Labcorp Genetics (formerly Invitae), Labcorp
Classification: Uncertain significance. Last evaluated: 2023-08-17. Review status: criteria provided, single submitter. Criteria: Invitae Variant Classification Sherloc (09022015). Collection method: clinical testing. Allele origin: germline.
Comment: In summary, the available evidence is currently insufficient to determine the role of this variant in disease. Therefore, it has been classified as a Variant of Uncertain Significance. Algorithms developed to predict the effect of missense changes on protein structure and function output the following: SIFT: "Not Available"; PolyPhen-2: "Benign"; Align-GVGD: "Not Available". The valine amino acid residue is found in multiple mammalian species, which suggests that this missense change does not adversely affect protein function. ClinVar contains an entry for this variant (Variation ID: 348299). This variant has not been reported in the literature in individuals affected with CYP4V2-related conditions. This variant is present in population databases (rs143272248, gnomAD 0.05%). This sequence change replaces alanine, which is neutral and non-polar, with valine, which is neutral and non-polar, at codon 101 of the CYP4V2 protein (p.Ala101Val).

Illumina Laboratory Services, Illumina
Classification: Uncertain significance for Corneal dystrophy. Last evaluated: 2018-01-12. Review status: criteria provided, single submitter. Criteria: ICSL Variant Classification Criteria 13 December 2019. Collection method: clinical testing. Allele origin: germline.

Illumina Laboratory Services, Illumina
Classification: Uncertain significance for Bietti crystalline corneoretinal dystrophy. Last evaluated: 2018-01-12. Review status: criteria provided, single submitter. Criteria: ICSL Variant Classification Criteria 13 December 2019. Collection method: clinical testing. Allele origin: germline.

NM_207352.4(CYP4V2):c.302C>T (p.Ala101Val)

Gene: CYP4V2 (cytochrome P450 family 4 subfamily V member 2; plus strand). Cytogenetic location: 4q35.1.
Variant type: single nucleotide variant.
Coding change: c.302C>T on transcript NM_207352.4 (MANE Select); coding-DNA position 302, C replaced by T.
Protein change: p.Ala101Val; replaces alanine 101 with valine.
Molecular consequence: missense variant.
Genome position (GRCh38, 1-based): chr4:186,194,587, C>T. VCF-style: chr4-186194587-C-T. GRCh37 (hg19) VCF-style: chr4-187115741-C-T.
Other names: short protein forms A101V.
Identifiers: ClinVar variation 348299 (VCV000348299.14), dbSNP rs143272248, ClinGen allele CA3162494.
Genomic context (GRCh38, chr4:186,194,587, plus strand): 5'-CAGAGGAATACCGCCACATGCCGCTGCTGAAGCTCTGGGTCGGGCCAGTGCCCATGGTGG[C>T]CCTTTATAATGCAGAAAATGTGGAGGTGGGTACATGTGAATATGATCAGTATTGTACTGT-3'
Protein context (NP_997235.3, residues 91-111): KLWVGPVPMV[Ala101Val]LYNAENVEVI